The following is an entry in ClinVar:

ClinVar aggregate classification (germline): Uncertain significance (1 of 4 stars; one submission).

Conditions:
Isolated microphthalmia 4. Identifiers: Orphanet 2542, MedGen C2751307, MONDO:0013130, OMIM 613094.
Leber congenital amaurosis 17 (LCA17). Identifiers: Orphanet 65, MedGen C3715164, MONDO:0014145, OMIM 615360.
Klippel-Feil syndrome 1, autosomal dominant (KFS1). Also called: CERVICAL VERTEBRAL FUSION, AUTOSOMAL DOMINANT. Identifiers: Orphanet 2345, MedGen C1861689, MONDO:0007306, OMIM 118100.
Microphthalmia, isolated, with coloboma 6 (MCOPCB6). Also called: Microphthalmia with coloboma 6, digenic; Microphthalmia with coloboma 6; MICROPHTHALMIA/COLOBOMA 6. Identifiers: Orphanet 98938, MedGen C3150968, MONDO:0013376, OMIM 613703.

Submission:

Labcorp Genetics (formerly Invitae), Labcorp
Classification: Uncertain significance for Isolated microphthalmia 4; Leber congenital amaurosis 17; Klippel-Feil syndrome 1, autosomal dominant; Microphthalmia, isolated, with coloboma 6. Last evaluated: 2022-07-12. Review status: criteria provided, single submitter. Criteria: Invitae Variant Classification Sherloc (09022015). Collection method: clinical testing. Allele origin: germline.
Comment: In summary, the available evidence is currently insufficient to determine the role of this variant in disease. Therefore, it has been classified as a Variant of Uncertain Significance. Algorithms developed to predict the effect of missense changes on protein structure and function are either unavailable or do not agree on the potential impact of this missense change (SIFT: "Deleterious"; PolyPhen-2: "Probably Damaging"; Align-GVGD: "Class C0"). ClinVar contains an entry for this variant (Variation ID: 1015372). This variant has not been reported in the literature in individuals affected with GDF6-related conditions. This variant is not present in population databases (gnomAD no frequency). This sequence change replaces alanine, which is neutral and non-polar, with aspartic acid, which is acidic and polar, at codon 108 of the GDF6 protein (p.Ala108Asp).

NM_001001557.4(GDF6):c.323C>A (p.Ala108Asp)

Gene: GDF6 (growth differentiation factor 6; minus strand). Cytogenetic location: 8q22.1.
Variant type: single nucleotide variant.
Coding change: c.323C>A on transcript NM_001001557.4 (MANE Select); coding-DNA position 323, C replaced by A.
Protein change: p.Ala108Asp; replaces alanine 108 with aspartic acid.
Molecular consequence: missense variant.
Genome position (GRCh38, 1-based): chr8:96,160,370, G>T on the plus strand (C>A on the coding strand, the complement: GDF6 is on the minus strand). VCF-style: chr8-96160370-G-T. GRCh37 (hg19) VCF-style: chr8-97172598-G-T.
Other names: short protein forms A108D.
Identifiers: ClinVar variation 1015372 (VCV001015372.8), dbSNP rs1812739209, ClinGen allele CA371753492.
Genomic context (GRCh38, chr8:96,160,370, plus strand): 5'-GTGATCGTATTAGCCGACTTGGAAGACTGGAAAAAGCTGGCATTGATGCCCAGCTTCTCA[G>T]CGATGGAGTAAGTCCTGTAGATTGACAGCATGTACTCGTGGGGCACCACGCGCGGACCCC-3'
Protein context (NP_001001557.1, residues 98-118): MLSIYRTYSI[Ala108Asp]EKLGINASFF